The following is an entry in ClinVar:

ClinVar aggregate classification (germline): Uncertain significance (0 of 4 stars; one submission).

Conditions:
MAGEL2-related disorder. Also called: MAGEL2-related condition.

Submission:

PreventionGenetics, part of Exact Sciences
Classification: Uncertain significance for MAGEL2-related condition. Last evaluated: 2024-07-31. Review status: no assertion criteria provided. Collection method: clinical testing. Allele origin: germline.
Comment: The MAGEL2 c.459_488del30 variant is predicted to result in an in-frame deletion (p.Ala170_Met179del). To our knowledge, this variant has not been reported in the literature. This variant is reported in 0.0018% of alleles in individuals of European (Non-Finnish) descent in gnomAD. At this time, the clinical significance of this variant is uncertain due to the absence of conclusive functional and genetic evidence.

NM_019066.5(MAGEL2):c.459_488del (p.160AHPPPPGTPM[1])

Gene: MAGEL2 (MAGE family member L2; minus strand). Cytogenetic location: 15q11.2.
Variant type: Deletion.
Coding change: c.459_488del on transcript NM_019066.5 (MANE Select); coding-DNA positions 459 to 488, 30 bases deleted (CCCTCCGGGGACCCCAATGGCCCATCCTCC).
Protein change: p.160AHPPPPGTPM[1].
Molecular consequence: inframe deletion.
Genome position (GRCh38, 1-based): chr15:23,647,255-23,647,284, GGAGGATGGGCCATTGGGGTCCCCGGAGGG deleted on the plus strand (CCCTCCGGGGACCCCAATGGCCCATCCTCC on the coding strand, the reverse complement: MAGEL2 is on the minus strand); deleting any 30 consecutive bases within chr15:23,647,255-23,647,289 gives the same sequence; the c. name uses the placement nearest the transcript's 3' end. VCF-style (leftmost placement, unchanged base first): chr15-23647254-AGGAGGATGGGCCATTGGGGTCCCCGGAGGG-A. GRCh37 (hg19) VCF-style: chr15-23892401-AGGAGGATGGGCCATTGGGGTCCCCGGAGGG-A.
Identifiers: ClinVar variation 3356046 (VCV003356046.1).